The following is an entry in ClinVar:

NM_001148.6(ANK2):c.10694A>G (p.Glu3565Gly)

Gene: ANK2 (ankyrin 2; plus strand). Cytogenetic location: 4q26.
Variant type: single nucleotide variant.
Coding change: c.10694A>G on transcript NM_001148.6 (MANE Select); coding-DNA position 10694, A replaced by G.
Protein change: p.Glu3565Gly; replaces glutamic acid 3565 with glycine.
Molecular consequence: missense variant.
Genome position (GRCh38, 1-based): chr4:113,360,835, A>G. VCF-style: chr4-113360835-A-G. GRCh37 (hg19) VCF-style: chr4-114281991-A-G.
Other names: c.4412A>G, p.Glu1471Gly (NM_001127493.3); c.4451A>G, p.Glu1484Gly (NM_001354225.2); c.4340A>G, p.Glu1447Gly (NM_001354228.2, NM_001354258.2); c.4418A>G, p.Glu1473Gly (NM_001354230.2); c.4481A>G, p.Glu1494Gly (NM_001354231.2, NM_001354242.2); c.4475A>G, p.Glu1492Gly (NM_001354232.2); c.4436A>G, p.Glu1479Gly (NM_001354235.2, NM_001354246.2, NM_001354265.2); c.4337A>G, p.Glu1446Gly (NM_001354236.2); and 35 more; short protein forms E1319G, E1447G, E1459G, E1475G, E1479G, E280G, E1393G, E1402G.
Identifiers: ClinVar variation 5022109 (VCV005022109.1).
Genomic context (GRCh38, chr4:113,360,835, plus strand): 5'-CTCCTGTCATAGACAACCTTTGGCCATTCTGTTTTTGACCTTCTCCAGATCCACAGGATG[A>G]GCAGGAACGGATCGAGGAAAGGCTGGCTTATATTGCTGATCACCTTGGCTTCAGCTGGAC-3'
Protein context (NP_001139.3, residues 3555-3575): GHDHAEDPQD[Glu3565Gly]QERIEERLAY

ClinVar aggregate classification (germline): Uncertain significance (1 of 4 stars; one submission).

Conditions:
Cardiovascular phenotype. Identifiers: MedGen CN230736.

gnomAD v4.1: 1 of 1,612,620 alleles (0.000062%); highest among the groups gnomAD compares: Non-Finnish European, 0.000085%; no homozygotes.

Submission:

Ambry Genetics
Classification: Uncertain significance for Cardiovascular phenotype. Last evaluated: 2026-08-16. Review status: criteria provided, single submitter. Criteria: Ambry Variant Classification Scheme 2023. Collection method: clinical testing. Allele origin: germline.
Comment: The p.E3565G variant (also known as c.10694A>G), located in coding exon 39 of the ANK2 gene, results from an A to G substitution at nucleotide position 10694. The glutamic acid at codon 3565 is replaced by glycine, an amino acid with similar properties. This amino acid position is conserved. In addition, the in silico prediction for this alteration is inconclusive. Based on the available evidence, the clinical significance of this variant remains unclear.